The following is an entry in ClinVar:

ClinVar aggregate classification (germline): Conflicting classifications of pathogenicity. Review status: criteria provided, conflicting classifications (1 of 4 stars). 3 submissions from 3 submitters: Uncertain significance (2); Likely benign (1). Last evaluated 2025-11-27.

Conditions:
Cardiovascular phenotype. Identifiers: MedGen CN230736.
Cardiomyopathy (CMYO). Also called: Cardiomyopathies. Identifiers: Orphanet 167848, MedGen C0878544, MONDO:0004994, HP:0001638. Inheritance: Various modes of inheritance.
Hypertrophic cardiomyopathy. Also called: HYPERTROPHIC MYOCARDIOPATHY. Identifiers: Orphanet 217569, MedGen C0007194, MeSH D002312, MONDO:0005045, HP:0001639.

Allele frequency attached by ClinVar (database versions not stated): gnomAD exomes below 0.00001; gnomAD 0.00002; TOPMed 0.00005; ESP Exome Variant Server 0.00008.
gnomAD v4.1: 6 of 1,613,904 alleles (0.00037%); highest among the groups gnomAD compares: African/African-American, 0.0053%; no homozygotes.

Submissions (3):

Labcorp Genetics (formerly Invitae), Labcorp
Classification: Uncertain significance for Hypertrophic cardiomyopathy. Last evaluated: 2025-11-27. Review status: criteria provided, single submitter. Criteria: Invitae Variant Classification Sherloc (09022015). Collection method: clinical testing. Allele origin: germline.
Comment: This sequence change falls in intron 22 of the MYBPC3 gene. It does not directly change the encoded amino acid sequence of the MYBPC3 protein. It affects a nucleotide within the consensus splice site. This variant is present in population databases (rs368887584, gnomAD 0.007%). This variant has not been reported in the literature in individuals affected with MYBPC3-related conditions. ClinVar contains an entry for this variant (Variation ID: 923343). Variants that disrupt the consensus splice site are a relatively common cause of aberrant splicing (PMID: 17576681, 9536098). Algorithms developed to predict the effect of sequence changes on RNA splicing suggest that this variant is not likely to affect RNA splicing. In summary, the available evidence is currently insufficient to determine the role of this variant in disease. Therefore, it has been classified as a Variant of Uncertain Significance.

Ambry Genetics
Classification: Uncertain significance for Cardiovascular phenotype. Last evaluated: 2022-09-07. Review status: criteria provided, single submitter. Criteria: Ambry Variant Classification Scheme 2023. Collection method: clinical testing. Allele origin: germline.
Comment: The c.2148+3G>A intronic variant results from a G to A substitution 3 nucleotides after coding exon 22 in the MYBPC3 gene. This nucleotide position is well conserved in available vertebrate species. In silico splice site analysis predicts that this alteration will not have any significant effect on splicing. Since supporting evidence is limited at this time, the clinical significance of this alteration remains unclear.

Color Diagnostics, LLC DBA Color Health
Classification: Likely benign for Cardiomyopathy. Last evaluated: 2020-01-17. Review status: criteria provided, single submitter. Criteria: ACMG Guidelines, 2015. Collection method: clinical testing. Allele origin: germline.

Literature cited by the submitters: PubMed 17576681 (cited by Labcorp Genetics (formerly Invitae), Labcorp); PubMed 9536098 (cited by Labcorp Genetics (formerly Invitae), Labcorp).

NM_000256.3(MYBPC3):c.2148+3G>A

Gene: MYBPC3 (myosin binding protein C3; minus strand). Cytogenetic location: 11p11.2.
Variant type: single nucleotide variant.
Coding change: c.2148+3G>A on transcript NM_000256.3 (MANE Select); 3 bases into the intron after coding-DNA position 2148, G replaced by A.
Molecular consequence: intron variant.
Genome position (GRCh38, 1-based): chr11:47,339,321, C>T on the plus strand (G>A on the coding strand, the complement: MYBPC3 is on the minus strand). VCF-style: chr11-47339321-C-T. GRCh37 (hg19) VCF-style: chr11-47360872-C-T.
Identifiers: ClinVar variation 923343 (VCV000923343.10), dbSNP rs368887584, ClinGen allele CA221690698.